The following is an entry in ClinVar:

NM_004304.5(ALK):c.4480G>A (p.Gly1494Arg)

Gene: ALK (ALK receptor tyrosine kinase; minus strand). Cytogenetic location: 2p23.2.
Variant type: single nucleotide variant.
Coding change: c.4480G>A on transcript NM_004304.5 (MANE Select); coding-DNA position 4480, G replaced by A.
Protein change: p.Gly1494Arg; replaces glycine 1494 with arginine.
Molecular consequence: missense variant.
Genome position (GRCh38, 1-based): chr2:29,193,607, C>T on the plus strand (G>A on the coding strand, the complement: ALK is on the minus strand). VCF-style: chr2-29193607-C-T. GRCh37 (hg19) VCF-style: chr2-29416473-C-T.
Other names: c.1276G>A, p.Gly426Arg (NM_001353765.2); short protein forms G1494R, G426R.
Identifiers: ClinVar variation 412937 (VCV000412937.40), dbSNP rs199940609, ClinGen allele CA1593559.

ClinVar aggregate classification (germline): Benign/Likely benign. Review status: criteria provided, multiple submitters, no conflicts (2 of 4 stars). 6 submissions from 6 submitters: Benign (5); Likely benign (1). Last evaluated 2026-07-01.

Conditions:
Neuroblastoma, susceptibility to, 3. Also called: ALK-Related Neuroblastic Tumor Susceptibility. Identifiers: Orphanet 635, MedGen C2751681, MONDO:0013083, OMIM 613014.
Hereditary cancer-predisposing syndrome. Also called: Hereditary neoplastic syndrome; Neoplastic Syndromes, Hereditary; Hereditary Cancer Syndrome; Tumor predisposition. Identifiers: Orphanet 140162, MedGen C0027672, MeSH D009386, MONDO:0015356.

Allele frequency attached by ClinVar (database versions not stated): gnomAD 0.00002 and 0.00036; TOPMed 0.00006; gnomAD exomes 0.00082 and 0.00142; 1000 Genomes Project 30x 0.00125; 1000 Genomes Project 0.00160; ExAC 0.00174.
gnomAD v4.1: 1,242 of 1,614,226 alleles (0.077%); highest among the groups gnomAD compares: South Asian, 1.3%; 18 homozygotes.

Submissions (6):

CeGaT Center for Human Genetics Tuebingen
Classification: Benign. Last evaluated: 2026-07-01. Review status: criteria provided, single submitter. Criteria: CeGaT Center For Human Genetics Tuebingen Variant Classification Criteria Version 2. Collection method: clinical testing. Allele origin: germline. Affected: yes. Observed: 5 variant alleles.
Comment: ALK: BP4, BS1, BS2

Labcorp Genetics (formerly Invitae), Labcorp
Classification: Benign for Neuroblastoma, susceptibility to, 3. Last evaluated: 2026-02-02. Review status: criteria provided, single submitter. Criteria: Invitae Variant Classification Sherloc (09022015). Collection method: clinical testing. Allele origin: germline.

Ambry Genetics
Classification: Benign for Hereditary cancer-predisposing syndrome. Last evaluated: 2024-06-26. Review status: criteria provided, single submitter. Criteria: Ambry Variant Classification Scheme 2023. Collection method: clinical testing. Allele origin: germline.

KCCC/NGS Laboratory, Kuwait Cancer Control Center
Classification: Benign for Neuroblastoma, susceptibility to, 3. Last evaluated: 2023-07-07. Review status: criteria provided, single submitter. Criteria: ACMG Guidelines, 2015. Collection method: clinical testing. Allele origin: germline. Affected: yes.

Illumina Laboratory Services, Illumina
Classification: Benign for Neuroblastoma, susceptibility to, 3. Last evaluated: 2018-01-13. Review status: criteria provided, single submitter. Criteria: ICSL Variant Classification Criteria 13 December 2019. Collection method: clinical testing. Allele origin: germline.
Comment: This variant was observed in the ICSL laboratory as part of a predisposition screen in an ostensibly healthy population. It had not been previously curated by ICSL or reported in the Human Gene Mutation Database (HGMD: prior to June 1st, 2018), and was therefore a candidate for classification through an automated scoring system. Utilizing variant allele frequency, disease prevalence and penetrance estimates, and inheritance mode, an automated score was calculated to assess if this variant is too frequent to cause the disease. Based on the score and internal cut-off values, a variant classified as benign is not then subjected to further curation. The score for this variant resulted in a classification of benign for this disease.

GeneDx
Classification: Likely benign. Last evaluated: 2017-06-07. Review status: criteria provided, single submitter. Criteria: GeneDx Variant Classification (06012015). Collection method: clinical testing. Allele origin: germline. Affected: yes.
Comment: This variant is considered likely benign or benign based on one or more of the following criteria: it is a conservative change, it occurs at a poorly conserved position in the protein, it is predicted to be benign by multiple in silico algorithms, and/or has population frequency not consistent with disease.